The following is an entry in ClinVar:

NM_000091.5(COL4A3):c.3227del (p.Pro1076fs)

Genes: COL4A3 (collagen type IV alpha 3 chain; plus strand), MFF-DT (MFF divergent transcript; minus strand). Cytogenetic location: 2q36.3.
Variant type: Deletion.
Coding change: c.3227del on transcript NM_000091.5 (MANE Select); coding-DNA position 3227, one base deleted (C; older notation c.3227delC).
Protein change: p.Pro1076fs; shifts the reading frame from proline 1076.
Molecular consequence: frameshift variant.
Genome position (GRCh38, 1-based): chr2:227,293,207, C deleted; the last of 2 consecutive C bases (chr2:227,293,206-227,293,207); deleting either gives the same sequence. VCF-style (leftmost placement, unchanged base first): chr2-227293205-GC-G. GRCh37 (hg19) VCF-style: chr2-228157921-GC-G.
Other names: short protein forms P1076fs.
Identifiers: ClinVar variation 5012487 (VCV005012487.1).
Genomic context (GRCh38, chr2:227,293,205, plus strand): 5'-TATCCTGCTTATATGAGAATTTTAAAGGTATTTGACTACATTTAAGGGGGATCCAGGACT[GC>G]CGGGTGATATGGGAAAGAAAGGAGAAATGGGGCAACCTGGCCCACCTGGACATTTGGGGC-3'

ClinVar aggregate classification (germline): Pathogenic (1 of 4 stars; one submission).

Conditions:
Alport syndrome. Also called: Hemorrhagic familial nephritis; Hemorrhagic hereditary nephritis; Congenital hereditary hematuria. Identifiers: Orphanet 63, MedGen C1567741, MONDO:0018965.

Submission:

Myriad Genetics, Inc.
Classification: Pathogenic for Alport syndrome. Last evaluated: 2023-11-15. Review status: criteria provided, single submitter. Criteria: Myriad Autosomal Dominant, Autosomal Recessive and X-Linked Classification Criteria (2023). Collection method: clinical testing. Allele origin: unknown.
Comment: NM_000091.4(COL4A3):c.3227delC(P1076Rfs*78) is expected to be pathogenic in the context of Alport syndrome, COL4A3-related. This variant is predicted to lead to an abnormal or absent protein product due to the creation of a premature termination codon in COL4A3, a gene where loss-of-function variants are known to be pathogenic. Please note: this variant was assessed in the context of healthy population screening.